The following is an entry in ClinVar:

NM_017763.6(RNF43):c.376-20T>C

Gene: RNF43 (ring finger protein 43; minus strand). Cytogenetic location: 17q22.
Variant type: single nucleotide variant.
Coding change: c.376-20T>C on transcript NM_017763.6 (MANE Select); 20 bases into the intron before coding-DNA position 376, T replaced by C.
Molecular consequence: intron variant.
Genome position (GRCh38, 1-based): chr17:58,363,620, A>G on the plus strand (T>C on the coding strand, the complement: RNF43 is on the minus strand). VCF-style: chr17-58363620-A-G. GRCh37 (hg19) VCF-style: chr17-56440981-A-G.
Other names: c.376-20T>C (NM_001438822.1, NM_001305544.3, NM_001438820.1 and 1 more transcripts); c.-6-20T>C (NM_001305545.2, NM_001437987.1).
Identifiers: ClinVar variation 4875701 (VCV004875701.1).

ClinVar aggregate classification (germline): Likely benign (1 of 4 stars; one submission).

Conditions:
Sessile serrated polyposis cancer syndrome (SSPCS). Identifiers: Orphanet 157798, MedGen C4310714, MONDO:0014919, OMIM 617108.

Submission:

Myriad Genetics, Inc.
Classification: Likely benign for Sessile serrated polyposis cancer syndrome. Last evaluated: 2026-06-26. Review status: criteria provided, single submitter. Criteria: Myriad Autosomal Dominant, Autosomal Recessive and X-Linked Classification Criteria (2023). Collection method: clinical testing. Allele origin: unknown.
Comment: This variant is considered likely benign. This variant is intronic and is not expected to impact mRNA splicing.